The following is an entry in ClinVar:

NM_017775.4(TTC19):c.194G>A (p.Trp65Ter)

Genes: TTC19 (tetratricopeptide repeat domain 19; plus strand), LOC130060311 (ATAC-STARR-seq lymphoblastoid silent region 8214; plus strand). Cytogenetic location: 17p12.
Variant type: single nucleotide variant.
Coding change: c.194G>A on transcript NM_017775.4 (MANE Select); coding-DNA position 194, G replaced by A.
Protein change: p.Trp65Ter; replaces tryptophan 65 with a stop codon.
Molecular consequence: nonsense. On other transcripts: 5 prime UTR variant (1).
Genome position (GRCh38, 1-based): chr17:16,000,127, G>A. VCF-style: chr17-16000127-G-A. GRCh37 (hg19) VCF-style: chr17-15903441-G-A.
Other names: c.-265G>A (NM_001271420.2); short protein forms W65*.
Identifiers: ClinVar variation 215300 (VCV000215300.8), dbSNP rs779592523, ClinGen allele CA322076.

ClinVar aggregate classification (germline): Pathogenic. Review status: criteria provided, multiple submitters, no conflicts (2 of 4 stars). 2 submissions from 2 submitters: Pathogenic (2). Last evaluated 2025-02-10.

gnomAD v4.1: 2 of 1,567,654 alleles (0.00013%); highest among the groups gnomAD compares: South Asian, 0.0011%; no homozygotes.

Submissions (2):

Labcorp Genetics (formerly Invitae), Labcorp
Classification: Pathogenic. Last evaluated: 2025-02-10. Review status: criteria provided, single submitter. Criteria: Invitae Variant Classification Sherloc (09022015). Collection method: clinical testing. Allele origin: germline.
Comment: This sequence change creates a premature translational stop signal (p.Trp65*) in the TTC19 gene. It is expected to result in an absent or disrupted protein product. Loss-of-function variants in TTC19 are known to be pathogenic (PMID: 21278747, 24368687). This variant is present in population databases (rs779592523, gnomAD 0.004%). This variant has not been reported in the literature in individuals affected with TTC19-related conditions. ClinVar contains an entry for this variant (Variation ID: 215300). For these reasons, this variant has been classified as Pathogenic.

GeneDx
Classification: Pathogenic. Last evaluated: 2012-09-18. Review status: criteria provided, single submitter. Criteria: GeneDx Variant Classification (06012015). Collection method: clinical testing. Allele origin: germline. Affected: yes.
Comment: p.Trp65Stop (TGG>TAG):c.194 G>A in exon 2 of the TTC19 gene (NM_017775.3), previously known as c.557G>A, p.W186*. The W65X nonsense mutation in the TTC19 gene is predicted to cause loss of normal protein function either through protein truncation or nonsense-mediated mRNA decay. Mutations in the TTC19 gene are associated with mitochondrial complex III deficiency. The variant is found in LSME-MITOP panel(s).

Literature cited by the submitters: PubMed 21278747 (cited by Labcorp Genetics (formerly Invitae), Labcorp); PubMed 24368687 (cited by Labcorp Genetics (formerly Invitae), Labcorp).